The following is an entry in ClinVar:

ClinVar aggregate classification (germline): Uncertain significance (1 of 4 stars; one submission).

Conditions:
UBQLN2-related disorder. Also called: UBQLN2-related condition.

Submission:

PreventionGenetics, part of Exact Sciences
Classification: Uncertain significance for UBQLN2-related condition. Last evaluated: 2025-06-23. Review status: criteria provided, single submitter. Criteria: ACMG Guidelines, 2015. Collection method: clinical testing. Allele origin: germline.
Comment: The UBQLN2 c.1069G>A variant is predicted to result in the amino acid substitution p.Ala357Thr. To our knowledge, this variant has not been reported in the literature or in a large population database (gnomAD), indicating this variant is rare. At this time, the clinical significance of this variant is uncertain due to the absence of conclusive functional and genetic evidence.

NM_013444.4(UBQLN2):c.1069G>A (p.Ala357Thr)

Gene: UBQLN2 (ubiquilin 2; plus strand). Cytogenetic location: Xp11.21.
Variant type: single nucleotide variant.
Coding change: c.1069G>A on transcript NM_013444.4 (MANE Select); coding-DNA position 1069, G replaced by A.
Protein change: p.Ala357Thr; replaces alanine 357 with threonine.
Molecular consequence: missense variant.
Genome position (GRCh38, 1-based): chrX:56,564,942, G>A. VCF-style: chrX-56564942-G-A. GRCh37 (hg19) VCF-style: chrX-56591375-G-A.
Other names: short protein forms A357T.
Identifiers: ClinVar variation 5001613 (VCV005001613.1).